The following is an entry in ClinVar:

ClinVar aggregate classification (germline): Benign/Likely benign. Review status: criteria provided, multiple submitters, no conflicts (2 of 4 stars). 5 submissions from 5 submitters: Benign (1); Likely benign (3). 1 of the submissions does not count toward it. Last evaluated 2023-03-01.

Conditions:
GPBAR1-related disorder. Also called: GPBAR1-related condition.

Allele frequency attached by ClinVar (database versions not stated): ESP Exome Variant Server 0.00181; TOPMed 0.00198; gnomAD 0.00199 and 0.00209; gnomAD exomes 0.00219 and 0.00226; 1000 Genomes Project 0.00300; ExAC 0.00304; 1000 Genomes Project 30x 0.00390.
gnomAD v4.1: 3,537 of 1,597,402 alleles (0.22%); highest among the groups gnomAD compares: South Asian, 0.3%; 9 homozygotes.

Submissions (5):

CeGaT Center for Human Genetics Tuebingen
Classification: Likely benign. Last evaluated: 2023-03-01. Review status: criteria provided, single submitter. Criteria: CeGaT Center For Human Genetics Tuebingen Variant Classification Criteria Version 2. Collection method: clinical testing. Allele origin: germline. Affected: yes. Observed: 1 variant allele.
Comment: GPBAR1: BP4, BP7

Labcorp Genetics (formerly Invitae), Labcorp
Classification: Benign. Last evaluated: 2019-12-31. Review status: criteria provided, single submitter. Criteria: Invitae Variant Classification Sherloc (09022015). Collection method: clinical testing. Allele origin: germline.

Eurofins Ntd Llc (ga)
Classification: Likely benign. Last evaluated: 2018-02-06. Review status: criteria provided, single submitter. Criteria: EGL Classification Definitions 2015. Collection method: clinical testing. Allele origin: germline. Observed: 1 variant allele, 1 heterozygote.

Breakthrough Genomics
Classification: Likely benign. Review status: criteria provided, single submitter. Criteria: ACMG Guidelines, 2015. Collection method: not provided. Allele origin: germline. Inheritance: Unknown mechanism. Affected: yes.

PreventionGenetics, part of Exact Sciences
Classification: Likely benign for GPBAR1-related condition. Last evaluated: 2019-03-08. Review status: no assertion criteria provided. Collection method: clinical testing. Allele origin: germline. Not counted in ClinVar's aggregate classification.
Comment: This variant is classified as likely benign based on ACMG/AMP sequence variant interpretation guidelines (Richards et al. 2015 PMID: 25741868, with internal and published modifications).

NM_170699.3(GPBAR1):c.636C>T (p.Ser212=)

Gene: GPBAR1 (G protein-coupled bile acid receptor 1; plus strand). Cytogenetic location: 2q35.
Variant type: single nucleotide variant.
Coding change: c.636C>T on transcript NM_170699.3 (MANE Select); coding-DNA position 636, C replaced by T.
Protein change: p.Ser212=; no amino-acid change (serine 212 retained).
Molecular consequence: synonymous variant.
Genome position (GRCh38, 1-based): chr2:218,263,360, C>T. VCF-style: chr2-218263360-C-T. GRCh37 (hg19) VCF-style: chr2-219128083-C-T.
Other names: c.636C>T, p.Ser212= (NM_001077191.2, NM_001077194.2, NM_001321950.2); c.636C>T (NM_001321950.1).
Identifiers: ClinVar variation 596027 (VCV000596027.35), dbSNP rs150118963, ClinGen allele CA2102645.